The following is an entry in ClinVar:

ClinVar aggregate classification (germline): Uncertain significance (1 of 4 stars; one submission).

Conditions:
Hereditary cancer-predisposing syndrome. Also called: Neoplastic Syndromes, Hereditary; Tumor predisposition; Hereditary neoplastic syndrome; Hereditary Cancer Syndrome. Identifiers: Orphanet 140162, MedGen C0027672, MeSH D009386, MONDO:0015356.

Submission:

Ambry Genetics
Classification: Uncertain significance for Hereditary cancer-predisposing syndrome. Last evaluated: 2026-08-16. Review status: criteria provided, single submitter. Criteria: Ambry Variant Classification Scheme 2023. Collection method: clinical testing. Allele origin: germline.
Comment: The p.I555R variant (also known as c.1664T>G), located in coding exon 13 of the TSC1 gene, results from a T to G substitution at nucleotide position 1664. The isoleucine at codon 555 is replaced by arginine, an amino acid with similar properties. This amino acid position is conserved. In addition, this alteration is predicted to be deleterious by in silico analysis. Based on the available evidence, the clinical significance of this variant remains unclear.

NM_000368.5(TSC1):c.1664T>G (p.Ile555Arg)

Gene: TSC1 (TSC complex subunit 1; minus strand). Cytogenetic location: 9q34.13.
Variant type: single nucleotide variant.
Coding change: c.1664T>G on transcript NM_000368.5 (MANE Select); coding-DNA position 1664, T replaced by G.
Protein change: p.Ile555Arg; replaces isoleucine 555 with arginine.
Molecular consequence: missense variant. On other transcripts: non-coding transcript variant (5).
Genome position (GRCh38, 1-based): chr9:132,905,914, A>C on the plus strand (T>G on the coding strand, the complement: TSC1 is on the minus strand). VCF-style: chr9-132905914-A-C. GRCh37 (hg19) VCF-style: chr9-135781301-A-C.
Other names: c.1508T>G, p.Ile503Arg (NM_001406611.1, NM_001406612.1, NM_001406613.1); c.1301T>G, p.Ile434Arg (NM_001406614.1, NM_001406615.1, NM_001406616.1 and 5 more transcripts); c.1298T>G, p.Ile433Arg (NM_001406620.1, NM_001406621.1, NM_001406622.1 and 2 more transcripts); c.1661T>G, p.Ile554Arg (NM_001162426.2, NM_001406597.1, NM_001406598.1 and 6 more transcripts); c.1511T>G, p.Ile504Arg (NM_001162427.2, NM_001406610.1); c.1664T>G, p.Ile555Arg (NM_001406592.1, NM_001406593.1, NM_001406594.1 and 7 more transcripts); c.713T>G, p.Ile238Arg (NM_001406626.1); c.710T>G, p.Ile237Arg (NM_001406627.1, NM_001406628.1); and 1 more; short protein forms I204R, I433R, I504R, I238R, I503R, I237R, I554R, I555R.
Identifiers: ClinVar variation 5031258 (VCV005031258.1).